The following is an entry in ClinVar:

NM_001126108.2(SLC12A3):c.602-1G>A

Gene: SLC12A3 (solute carrier family 12 member 3; plus strand). Cytogenetic location: 16q13.
Variant type: single nucleotide variant.
Coding change: c.602-1G>A on transcript NM_001126108.2 (MANE Select); the canonical splice acceptor site of the intron before coding-DNA position 602, G replaced by A.
Molecular consequence: splice acceptor variant.
Genome position (GRCh38, 1-based): chr16:56,870,095, G>A. VCF-style: chr16-56870095-G-A. GRCh37 (hg19) VCF-style: chr16-56904007-G-A.
Other names: c.602-1G>A (NM_000339.3); c.599-1G>A (NM_001126107.2, NM_001410896.1).
Identifiers: ClinVar variation 994772 (VCV000994772.1), dbSNP rs2055071377, ClinGen allele CA395981394.

ClinVar aggregate classification (germline): Likely pathogenic (1 of 4 stars; one submission).

Submission:

Athena Diagnostics
Classification: Likely pathogenic. Last evaluated: 2020-01-29. Review status: criteria provided, single submitter. Criteria: Athena Diagnostics Criteria. Collection method: clinical testing. Allele origin: unknown.
Comment: The variant disrupts a canonical splice site, and is therefore predicted to result in the loss of a functional protein. Not found in the total gnomAD dataset, and the data is high quality.